The following is an entry in ClinVar:

NM_002485.5(NBN):c.526T>A (p.Tyr176Asn)

Gene: NBN (nibrin; minus strand). Cytogenetic location: 8q21.3.
Variant type: single nucleotide variant.
Coding change: c.526T>A on transcript NM_002485.5 (MANE Select); coding-DNA position 526, T replaced by A.
Protein change: p.Tyr176Asn; replaces tyrosine 176 with asparagine.
Molecular consequence: missense variant.
Genome position (GRCh38, 1-based): chr8:89,978,278, A>T on the plus strand (T>A on the coding strand, the complement: NBN is on the minus strand). VCF-style: chr8-89978278-A-T. GRCh37 (hg19) VCF-style: chr8-90990506-A-T.
Other names: c.280T>A, p.Tyr94Asn (NM_001024688.3); short protein forms Y176N, Y94N.
Identifiers: ClinVar variation 2106575 (VCV002106575.4), dbSNP rs2488344019, ClinGen allele CA371660328.
Genomic context (GRCh38, chr8:89,978,278, plus strand): 5'-ACCTTTCAATTTGTGGAGGCTGCTTCTTGGACTCAACTGCTTTCAGGAATTCAGTAAAAT[A>T]TTCTGGCTTTACAATTGGACGTCCACAAATGAGTGCACATATTGTCTACAATGAAGAAAA-3'
Protein context (NP_002476.2, residues 166-186): ICGRPIVKPE[Tyr176Asn]FTEFLKAVES

ClinVar aggregate classification (germline): Uncertain significance (1 of 4 stars; one submission).

Conditions:
Microcephaly, normal intelligence and immunodeficiency (NBS). Also called: IMMUNODEFICIENCY, MICROCEPHALY, AND CHROMOSOMAL INSTABILITY; Immunodeficiency, microcephaly with normal intelligence; BERLIN BREAKAGE SYNDROME; SEEMANOVA SYNDROME II; Ataxia telangiectasia variant V1; Nijmegen breakage syndrome. Identifiers: Orphanet 647, MedGen C0398791, MONDO:0009623, OMIM 251260.

Submission:

Labcorp Genetics (formerly Invitae), Labcorp
Classification: Uncertain significance for Microcephaly, normal intelligence and immunodeficiency. Last evaluated: 2022-11-28. Review status: criteria provided, single submitter. Criteria: Invitae Variant Classification Sherloc (09022015). Collection method: clinical testing. Allele origin: germline.
Comment: This sequence change replaces tyrosine, which is neutral and polar, with asparagine, which is neutral and polar, at codon 176 of the NBN protein (p.Tyr176Asn). This variant is not present in population databases (gnomAD no frequency). This variant has not been reported in the literature in individuals affected with NBN-related conditions. Algorithms developed to predict the effect of missense changes on protein structure and function are either unavailable or do not agree on the potential impact of this missense change (SIFT: "Deleterious"; PolyPhen-2: "Possibly Damaging"; Align-GVGD: "Class C0"). In summary, the available evidence is currently insufficient to determine the role of this variant in disease. Therefore, it has been classified as a Variant of Uncertain Significance.